The following is an entry in ClinVar:

ClinVar aggregate classification (germline): Uncertain significance (1 of 4 stars; one submission).

Conditions:
Dilated cardiomyopathy 1G (CMD1G). Identifiers: Orphanet 154, MedGen C1858763, MONDO:0011400, OMIM 604145.
Autosomal recessive limb-girdle muscular dystrophy type 2J (LGMDR10). Also called: Limb-girdle muscular dystrophy, type 2J; MUSCULAR DYSTROPHY, LIMB-GIRDLE, AUTOSOMAL RECESSIVE 10. Identifiers: Orphanet 140922, MedGen C1837342, MONDO:0012127, OMIM 608807.

Allele frequency attached by ClinVar (database versions not stated): gnomAD exomes below 0.00001.
gnomAD v4.1: 1 of 1,613,888 alleles (0.000062%); highest among the groups gnomAD compares: Non-Finnish European, 0.000085%; no homozygotes.

Submission:

Labcorp Genetics (formerly Invitae), Labcorp
Classification: Uncertain significance for Dilated cardiomyopathy 1G; Autosomal recessive limb-girdle muscular dystrophy type 2J. Last evaluated: 2024-01-24. Review status: criteria provided, single submitter. Criteria: Invitae Variant Classification Sherloc (09022015). Collection method: clinical testing. Allele origin: germline.
Comment: This sequence change replaces glycine, which is neutral and non-polar, with glutamic acid, which is acidic and polar, at codon 34151 of the TTN protein (p.Gly34151Glu). This variant is not present in population databases (gnomAD no frequency). This variant has not been reported in the literature in individuals affected with TTN-related conditions. Experimental studies and prediction algorithms are not available or were not evaluated, and the functional significance of this variant is currently unknown. This variant is located in the M band of TTN (PMID: 25589632). Non-truncating variants in this region may be relevant for neuromuscular disorders, but have not been definitively shown to cause cardiomyopathy (PMID: 23975875). In summary, the available evidence is currently insufficient to determine the role of this variant in disease. Therefore, it has been classified as a Variant of Uncertain Significance.

Literature cited by the submitters: PubMed 25589632; PubMed 23975875.

NM_001267550.2(TTN):c.102452G>A (p.Gly34151Glu)

Genes: TTN-AS1 (TTN antisense RNA 1; plus strand), TTN (titin; minus strand). Cytogenetic location: 2q31.2.
Variant type: single nucleotide variant.
Coding change: c.102452G>A on transcript NM_001267550.2 (MANE Select); coding-DNA position 102452, G replaced by A.
Protein change: p.Gly34151Glu; replaces glycine 34151 with glutamic acid.
Molecular consequence: missense variant.
Genome position (GRCh38, 1-based): chr2:178,534,163, C>T on the plus strand (G>A on the coding strand, the complement: TTN is on the minus strand). VCF-style: chr2-178534163-C-T. GRCh37 (hg19) VCF-style: chr2-179398890-C-T.
Other names: c.97529G>A, p.Gly32510Glu (NM_001256850.1); c.75257G>A, p.Gly25086Glu (NM_003319.4); c.94748G>A, p.Gly31583Glu (NM_133378.4); c.75632G>A, p.Gly25211Glu (NM_133432.3); c.75833G>A, p.Gly25278Glu (NM_133437.4); short protein forms G25278E, G25211E, G25086E, G31583E, G32510E, G34151E.
Identifiers: ClinVar variation 2950168 (VCV002950168.3), dbSNP rs2468524070, ClinGen allele CA349417511.
Genomic context (GRCh38, chr2:178,534,163, plus strand): 5'-TACCAAGTCACTTGGGTAGACTGATCATAATTTTCAATTTTGCATACATATTTGACATGT[C>T]CTCCTTCTTCACCAACTGCATGCATTATCTGCCCAGAAACTGGGCCAATTTCAATGGATG-3'
Protein context (NP_001254479.2, residues 34141-34161): QIMHAVGEEG[Gly34151Glu]HVKYVCKIEN